The following is an entry in ClinVar:

ClinVar aggregate classification (germline): Conflicting classifications of pathogenicity. Review status: criteria provided, conflicting classifications (1 of 4 stars). 2 submissions from 2 submitters: Uncertain significance (1); Benign (1). Last evaluated 2025-12-06.

Submissions (2):

Labcorp Genetics (formerly Invitae), Labcorp
Classification: Uncertain significance. Last evaluated: 2025-12-06. Review status: criteria provided, single submitter. Criteria: Invitae Variant Classification Sherloc (09022015). Collection method: clinical testing. Allele origin: germline.
Comment: This sequence change falls in intron 13 of the FBN3 gene. It does not directly change the encoded amino acid sequence of the FBN3 protein. It affects a nucleotide within the consensus splice site. The frequency data for this variant in the population databases is considered unreliable, as metrics indicate poor data quality at this position in the gnomAD database. This variant has not been reported in the literature in individuals affected with FBN3-related conditions. ClinVar contains an entry for this variant (Variation ID: 2712032). Variants that disrupt the consensus splice site are a relatively common cause of aberrant splicing (PMID: 17576681, 9536098). Algorithms developed to predict the effect of sequence changes on RNA splicing suggest that this variant is not likely to affect RNA splicing. In summary, the available evidence is currently insufficient to determine the role of this variant in disease. Therefore, it has been classified as a Variant of Uncertain Significance.

CeGaT Center for Human Genetics Tuebingen
Classification: Benign. Last evaluated: 2025-02-01. Review status: criteria provided, single submitter. Criteria: CeGaT Center For Human Genetics Tuebingen Variant Classification Criteria Version 2. Collection method: clinical testing. Allele origin: germline. Affected: yes. Observed: 1 variant allele.
Comment: FBN3: PP3, BS1, BS2

Literature cited by the submitters: PubMed 17576681 (cited by Labcorp Genetics (formerly Invitae), Labcorp); PubMed 9536098 (cited by Labcorp Genetics (formerly Invitae), Labcorp).

NM_032447.5(FBN3):c.1591+6_1591+16del

Gene: FBN3 (fibrillin 3; minus strand). Cytogenetic location: 19p13.2.
Variant type: Deletion.
Coding change: c.1591+6_1591+16del on transcript NM_032447.5 (MANE Select); bases 6 to 16 of the intron after coding-DNA position 1591, 11 bases deleted (TTGGGGGTGGG).
Molecular consequence: intron variant.
Genome position (GRCh38, 1-based): chr19:8,135,945-8,135,955, CCCACCCCCAA deleted on the plus strand (TTGGGGGTGGG on the coding strand, the reverse complement: FBN3 is on the minus strand); deleting any 11 consecutive bases within chr19:8,135,945-8,135,956 gives the same sequence; the c. name uses the placement nearest the transcript's 3' end. VCF-style (leftmost placement, unchanged base first): chr19-8135944-GCCCACCCCCAA-G. GRCh37 (hg19) VCF-style: chr19-8200828-GCCCACCCCCAA-G.
Other names: c.1591+6_1591+16del (NM_001321431.2).
Identifiers: ClinVar variation 2712032 (VCV002712032.16), dbSNP rs753599265, ClinGen allele CA9153257.